The following is an entry in ClinVar:

NM_145290.4(ADGRA3):c.3628C>T (p.Arg1210Trp)

Gene: ADGRA3 (adhesion G protein-coupled receptor A3; minus strand). Cytogenetic location: 4p15.2.
Variant type: single nucleotide variant.
Coding change: c.3628C>T on transcript NM_145290.4 (MANE Select); coding-DNA position 3628, C replaced by T.
Protein change: p.Arg1210Trp; replaces arginine 1210 with tryptophan.
Molecular consequence: missense variant.
Genome position (GRCh38, 1-based): chr4:22,388,043, G>A on the plus strand (C>T on the coding strand, the complement: ADGRA3 is on the minus strand). VCF-style: chr4-22388043-G-A. GRCh37 (hg19) VCF-style: chr4-22389666-G-A.
Other names: short protein forms R1210W.
Identifiers: ClinVar variation 1022785 (VCV001022785.10), dbSNP rs779659276, ClinGen allele CA2873330.
Genomic context (GRCh38, chr4:22,388,043, plus strand): 5'-TCTCTCTGTAGGCTAAATAAGCTCTTCGGCTCCTCGAGTGTCCTTCGTTATTGCCCAGCC[G>A]GCTTTTAGGTAAGCCGTTCTGCACGCTTCCTTCCACGCTCGTTGGGACATCGTAGGCATA-3'
Protein context (NP_660333.2, residues 1200-1220): GSVQNGLPKS[Arg1210Trp]LGNNEGHSRS

ClinVar aggregate classification (germline): Uncertain significance (1 of 4 stars; one submission).

Allele frequency attached by ClinVar (database versions not stated): ExAC 0.00001; TOPMed 0.00001.
gnomAD v4.1: 19 of 1,614,076 alleles (0.0012%); highest among the groups gnomAD compares: Middle Eastern, 0.017%; no homozygotes.

Submission:

Labcorp Genetics (formerly Invitae), Labcorp
Classification: Uncertain significance. Last evaluated: 2022-04-23. Review status: criteria provided, single submitter. Criteria: Invitae Variant Classification Sherloc (09022015). Collection method: clinical testing. Allele origin: germline.
Comment: Algorithms developed to predict the effect of missense changes on protein structure and function (SIFT, PolyPhen-2, Align-GVGD) all suggest that this variant is likely to be disruptive. In summary, the available evidence is currently insufficient to determine the role of this variant in disease. Therefore, it has been classified as a Variant of Uncertain Significance. ClinVar contains an entry for this variant (Variation ID: 1022785). This variant has not been reported in the literature in individuals affected with ADGRA3-related conditions. This variant is present in population databases (rs779659276, gnomAD 0.003%). This sequence change replaces arginine, which is basic and polar, with tryptophan, which is neutral and slightly polar, at codon 1210 of the ADGRA3 protein (p.Arg1210Trp).